The following is an entry in ClinVar:

ClinVar aggregate classification (germline): Uncertain significance. Review status: criteria provided, multiple submitters, no conflicts (2 of 4 stars). 2 submissions from 2 submitters: Uncertain significance (2). Last evaluated 2024-05-22.

Conditions:
Congenital generalized lipodystrophy type 2 (CGL2). Also called: BERARDINELLI SYNDROME; BRUNZELL SYNDROME, BSCL2-RELATED; SEIP SYNDROME; Berardinelli-Seip Congenital Lipodystrophy Type 2. Identifiers: Orphanet 528, Orphanet 696289, MedGen C1720863, MONDO:0010020, OMIM 269700.
Hereditary spastic paraplegia 17. Also called: SPASTIC PARAPLEGIA WITH AMYOTROPHY OF HANDS AND FEET; Spastic Paraplegia 17; Autosomal dominant spastic paraplegia type 17; Silver Syndrome; Silver spastic paraplegia syndrome. Identifiers: Orphanet 100998, MedGen C2931276, MONDO:0010043, OMIM 270685.
Severe neurodegenerative syndrome with lipodystrophy. Also called: Encephalopathy, progressive, with or without lipodystrophy; ENCEPHALOPATHY, PROGRESSIVE, WITH LIPODYSTROPHY. Identifiers: Orphanet 363400, MedGen C4014700, MONDO:0014402, OMIM 615924.
Neuronopathy, distal hereditary motor, type 5C. Also called: DHMN VC; NEURONOPATHY, DISTAL HEREDITARY MOTOR, AUTOSOMAL DOMINANT 13; NEURONOPATHY, DISTAL HEREDITARY MOTOR, HARDING TYPE VC; NEUROPATHY, DISTAL HEREDITARY MOTOR, HARDING TYPE VC; SPINAL MUSCULAR ATROPHY, DISTAL, HARDING TYPE VC. Identifiers: MedGen C5436838, MONDO:0030860, OMIM 619112.

gnomAD v4.1: 2 of 1,614,008 alleles (0.00012%); highest among the groups gnomAD compares: Non-Finnish European, 0.00017%; no homozygotes.

Submissions (2):

Fulgent Genetics
Classification: Uncertain significance for Congenital generalized lipodystrophy type 2; Hereditary spastic paraplegia 17; Severe neurodegenerative syndrome with lipodystrophy; Neuronopathy, distal hereditary motor, type 5C. Last evaluated: 2024-05-22. Review status: criteria provided, single submitter. Criteria: ACMG Guidelines, 2015. Collection method: clinical testing. Allele origin: germline.

GeneDx
Classification: Uncertain significance. Last evaluated: 2019-07-23. Review status: criteria provided, single submitter. Criteria: GeneDx Variant Classification Process June 2021. Collection method: clinical testing. Allele origin: germline. Affected: yes.
Comment: Not observed in large population cohorts (Lek et al., 2016); In silico analysis, which includes protein predictors and evolutionary conservation, supports a deleterious effect; Has not been previously published as pathogenic or benign to our knowledge

NM_001122955.4(BSCL2):c.1385C>A (p.Ser462Tyr)

Genes: BSCL2 (BSCL2 lipid droplet biogenesis associated, seipin; minus strand), HNRNPUL2-BSCL2 (HNRNPUL2-BSCL2 readthrough (NMD candidate); minus strand). Cytogenetic location: 11q12.3.
Variant type: single nucleotide variant.
Coding change: c.1385C>A on transcript NM_001122955.4 (MANE Select); coding-DNA position 1385, C replaced by A.
Protein change: p.Ser462Tyr; replaces serine 462 with tyrosine.
Molecular consequence: missense variant. On other transcripts: non-coding transcript variant (1), 3 prime UTR variant (1).
Genome position (GRCh38, 1-based): chr11:62,690,371, G>T on the plus strand (C>A on the coding strand, the complement: BSCL2 is on the minus strand). VCF-style: chr11-62690371-G-T. GRCh37 (hg19) VCF-style: chr11-62457843-G-T.
Other names: c.*187C>A (NM_001130702.2); c.1391C>A, p.Ser464Tyr (NM_001386027.1); c.1385C>A, p.Ser462Tyr (NM_001386028.1); c.1193C>A, p.Ser398Tyr (NM_032667.6); short protein forms S398Y, S462Y, S464Y.
Identifiers: ClinVar variation 1320708 (VCV001320708.4), dbSNP rs1945271930, ClinGen allele CA380953340.